The following is an entry in ClinVar:

NM_001267550.2(TTN):c.102683G>A (p.Gly34228Asp)

Genes: TTN (titin; minus strand), TTN-AS1 (TTN antisense RNA 1; plus strand). Cytogenetic location: 2q31.2.
Variant type: single nucleotide variant.
Coding change: c.102683G>A on transcript NM_001267550.2 (MANE Select); coding-DNA position 102683, G replaced by A.
Protein change: p.Gly34228Asp; replaces glycine 34228 with aspartic acid.
Molecular consequence: missense variant.
Genome position (GRCh38, 1-based): chr2:178,533,932, C>T on the plus strand (G>A on the coding strand, the complement: TTN is on the minus strand). VCF-style: chr2-178533932-C-T. GRCh37 (hg19) VCF-style: chr2-179398659-C-T.
Other names: c.97760G>A, p.Gly32587Asp (NM_001256850.1); c.75488G>A, p.Gly25163Asp (NM_003319.4); c.94979G>A, p.Gly31660Asp (NM_133378.4); c.75863G>A, p.Gly25288Asp (NM_133432.3); c.76064G>A, p.Gly25355Asp (NM_133437.4); short protein forms G25163D, G25288D, G25355D, G31660D, G32587D, G34228D.
Identifiers: ClinVar variation 3760854 (VCV003760854.2).

ClinVar aggregate classification (germline): Uncertain significance (1 of 4 stars; one submission).

Conditions:
Autosomal recessive limb-girdle muscular dystrophy type 2J (LGMDR10). Also called: Limb-girdle muscular dystrophy, type 2J; MUSCULAR DYSTROPHY, LIMB-GIRDLE, AUTOSOMAL RECESSIVE 10. Identifiers: Orphanet 140922, MedGen C1837342, MONDO:0012127, OMIM 608807.
Dilated cardiomyopathy 1G (CMD1G). Identifiers: Orphanet 154, MedGen C1858763, MONDO:0011400, OMIM 604145.

gnomAD v4.1: 1 of 1,613,750 alleles (0.000062%); no homozygotes.

Submission:

Labcorp Genetics (formerly Invitae), Labcorp
Classification: Uncertain significance for Dilated cardiomyopathy 1G; Autosomal recessive limb-girdle muscular dystrophy type 2J. Last evaluated: 2025-12-19. Review status: criteria provided, single submitter. Criteria: Invitae Variant Classification Sherloc (09022015). Collection method: clinical testing. Allele origin: germline.
Comment: This sequence change replaces glycine, which is neutral and non-polar, with aspartic acid, which is acidic and polar, at codon 34228 of the TTN protein (p.Gly34228Asp). This variant is not present in population databases (gnomAD no frequency). This variant has not been reported in the literature in individuals affected with TTN-related conditions. ClinVar contains an entry for this variant (Variation ID: 3760854). Experimental studies and prediction algorithms are not available or were not evaluated, and the functional significance of this variant is currently unknown. This variant is located in the M band of TTN (PMID: 25589632). Non-truncating variants in this region may be relevant for neuromuscular disorders, but have not been definitively shown to cause cardiomyopathy (PMID: 23975875). In summary, the available evidence is currently insufficient to determine the role of this variant in disease. Therefore, it has been classified as a Variant of Uncertain Significance.

Literature cited by the submitters: PubMed 25589632; PubMed 23975875.